The following is an entry in ClinVar:

NM_002775.5(HTRA1):c.1043C>G (p.Thr348Arg)

Gene: HTRA1 (HtrA serine peptidase 1; plus strand). Cytogenetic location: 10q26.13.
Variant type: single nucleotide variant.
Coding change: c.1043C>G on transcript NM_002775.5 (MANE Select); coding-DNA position 1043, C replaced by G.
Protein change: p.Thr348Arg; replaces threonine 348 with arginine.
Molecular consequence: missense variant.
Genome position (GRCh38, 1-based): chr10:122,508,693, C>G. VCF-style: chr10-122508693-C-G. GRCh37 (hg19) VCF-style: chr10-124268209-C-G.
Other names: short protein forms T348R.
Identifiers: ClinVar variation 4747119 (VCV004747119.1).

ClinVar aggregate classification (germline): Uncertain significance (1 of 4 stars; one submission).

Submission:

Labcorp Genetics (formerly Invitae), Labcorp
Classification: Uncertain significance. Last evaluated: 2025-07-03. Review status: criteria provided, single submitter. Criteria: Invitae Variant Classification Sherloc (09022015). Collection method: clinical testing. Allele origin: germline.
Comment: This sequence change replaces threonine, which is neutral and polar, with arginine, which is basic and polar, at codon 348 of the HTRA1 protein (p.Thr348Arg). This variant is not present in population databases (gnomAD no frequency). This variant has not been reported in the literature in individuals affected with HTRA1-related conditions. Invitae Evidence Modeling of protein sequence and biophysical properties (such as structural, functional, and spatial information, amino acid conservation, physicochemical variation, residue mobility, and thermodynamic stability) has been performed for this missense variant. However, the output from this modeling did not meet the statistical confidence thresholds required to predict the impact of this variant on HTRA1 protein function. In summary, the available evidence is currently insufficient to determine the role of this variant in disease. Therefore, it has been classified as a Variant of Uncertain Significance.